The following is an entry in ClinVar:

ClinVar aggregate classification (germline): Likely pathogenic (1 of 4 stars; one submission).

Conditions:
Joubert syndrome. Also called: JOUBERT-BOLTSHAUSER SYNDROME; Familial aplasia of the vermis. Identifiers: Orphanet 475, MedGen C5979921, MONDO:0018772.
Meckel-Gruber syndrome. Also called: DYSENCEPHALIA SPLANCHNOCYSTICA; GRUBER SYNDROME; Dysencephalia splachnocystica. Identifiers: Orphanet 564, MedGen C0265215, MONDO:0018921.

Submission:

Labcorp Genetics (formerly Invitae), Labcorp
Classification: Likely pathogenic for Joubert syndrome; Meckel-Gruber syndrome. Last evaluated: 2023-01-10. Review status: criteria provided, single submitter. Criteria: Invitae Variant Classification Sherloc (09022015). Collection method: clinical testing. Allele origin: germline.
Comment: This variant disrupts the p.Arg1528 amino acid residue in CC2D2A. Other variant(s) that disrupt this residue have been determined to be pathogenic (PMID: 18950740). This suggests that this residue is clinically significant, and that variants that disrupt this residue are likely to be disease-causing. Algorithms developed to predict the effect of sequence changes on RNA splicing suggest that this variant may create or strengthen a splice site. Advanced modeling of protein sequence and biophysical properties (such as structural, functional, and spatial information, amino acid conservation, physicochemical variation, residue mobility, and thermodynamic stability) performed at Invitae indicates that this missense variant is expected to disrupt CC2D2A protein function. This variant has not been reported in the literature in individuals affected with CC2D2A-related conditions. This variant is not present in population databases (gnomAD no frequency). This sequence change replaces arginine, which is basic and polar, with serine, which is neutral and polar, at codon 1528 of the CC2D2A protein (p.Arg1528Ser). In summary, the currently available evidence indicates that the variant is pathogenic, but additional data are needed to prove that conclusively. Therefore, this variant has been classified as Likely Pathogenic.

Literature cited by the submitters: PubMed 18950740.

NM_001378615.1(CC2D2A):c.4582C>A (p.Arg1528Ser)

Genes: CC2D2A (coiled-coil and C2 domain containing 2A; plus strand), FBXL5 (F-box and leucine rich repeat protein 5; minus strand). Cytogenetic location: 4p15.32.
Variant type: single nucleotide variant.
Coding change: c.4582C>A on transcript NM_001378615.1 (MANE Select); coding-DNA position 4582, C replaced by A.
Protein change: p.Arg1528Ser; replaces arginine 1528 with serine.
Molecular consequence: missense variant.
Genome position (GRCh38, 1-based): chr4:15,599,614, C>A. VCF-style: chr4-15599614-C-A. GRCh37 (hg19) VCF-style: chr4-15601237-C-A.
Other names: c.4582C>A, p.Arg1528Ser (NM_001080522.2); c.4435C>A, p.Arg1479Ser (NM_001378617.1); short protein forms R1479S, R1528S.
Identifiers: ClinVar variation 2948795 (VCV002948795.3), dbSNP rs118204052, ClinGen allele CA356434128.
Genomic context (GRCh38, chr4:15,599,614, plus strand): 5'-ATCATGGACTGGAGGCCACGCCATCTGACTCGGTGGAATAGGTATTGTACCTCTACTCTG[C>A]GTCACTTCTTGCCTCTGTTAGAAAAAAGTCAAGGAGAAGATGTAGAAGATGACCACAGAG-3'
Protein context (NP_001365544.1, residues 1518-1538): RWNRYCTSTL[Arg1528Ser]HFLPLLEKSQ